The following is an entry in ClinVar:

ClinVar aggregate classification (germline): Uncertain significance (1 of 4 stars; one submission).

Conditions:
Neurodevelopmental disorder with progressive spasticity and brain white matter abnormalities. Also called: CEREBRAL PALSY, SPASTIC QUADRIPLEGIC, 1. Identifiers: Orphanet 210141, Orphanet 641353, MedGen C5436628, MONDO:0033613, OMIM 619026.

Submission:

Labcorp Genetics (formerly Invitae), Labcorp
Classification: Uncertain significance for Neurodevelopmental disorder with progressive spasticity and brain white matter abnormalities. Last evaluated: 2022-11-01. Review status: criteria provided, single submitter. Criteria: Invitae Variant Classification Sherloc (09022015). Collection method: clinical testing. Allele origin: germline.
Comment: This sequence change replaces valine, which is neutral and non-polar, with phenylalanine, which is neutral and non-polar, at codon 418 of the GAD1 protein (p.Val418Phe). Information on the frequency of this variant in the gnomAD database is not available, as this variant may be reported differently in the database. This variant has not been reported in the literature in individuals affected with GAD1-related conditions. ClinVar contains an entry for this variant (Variation ID: 640674). Experimental studies and prediction algorithms are not available or were not evaluated, and the functional significance of this variant is currently unknown. In summary, the available evidence is currently insufficient to determine the role of this variant in disease. Therefore, it has been classified as a Variant of Uncertain Significance.

NM_000817.3(GAD1):c.1251_1252delinsTT (p.Val418Phe)

Gene: GAD1 (glutamate decarboxylase 1; plus strand). Cytogenetic location: 2q31.1.
Variant type: Indel.
Coding change: c.1251_1252delinsTT on transcript NM_000817.3 (MANE Select); coding-DNA positions 1251 to 1252, CG replaced by TT.
Protein change: p.Val418Phe; replaces valine 418 with phenylalanine.
Molecular consequence: missense variant.
Genome position (GRCh38, 1-based): chr2:170,852,780-170,852,781, CG replaced by TT. VCF-style: chr2-170852780-CG-TT. GRCh37 (hg19) VCF-style: chr2-171709290-CG-TT.
Other names: short protein forms V418F.
Identifiers: ClinVar variation 640674 (VCV000640674.6), dbSNP rs1575445561, ClinGen allele CA915942137.